The following is an entry in ClinVar:

NM_000540.3(RYR1):c.10456-1G>A

Gene: RYR1 (ryanodine receptor 1; plus strand). Cytogenetic location: 19q13.2.
Variant type: single nucleotide variant.
Coding change: c.10456-1G>A on transcript NM_000540.3 (MANE Select); the canonical splice acceptor site of the intron before coding-DNA position 10456, G replaced by A.
Molecular consequence: splice acceptor variant.
Genome position (GRCh38, 1-based): chr19:38,525,331, G>A. VCF-style: chr19-38525331-G-A. GRCh37 (hg19) VCF-style: chr19-39015971-G-A.
Other names: c.10441-1G>A (NM_001042723.2).
Identifiers: ClinVar variation 3070444 (VCV003070444.1), dbSNP rs2514476517, ClinGen allele CA405643376.

ClinVar aggregate classification (germline): Uncertain significance (1 of 4 stars; one submission).

Conditions:
Malignant hyperthermia, susceptibility to, 1 (MHS1). Also called: RYR1-Related Malignant Hyperthermia Susceptibility; Anesthesia related hyperthermia; Malignant hyperpyrexia; Fulminating hyperpyrexia; Pharmacogenic myopathy; Malignant hyperthermia suceptibility 1. Identifiers: Orphanet 423, MedGen C2930980, MONDO:0007783, OMIM 145600.

Allele frequency attached by ClinVar (database versions not stated): gnomAD exomes below 0.00001.
gnomAD v4.1: 1 of 1,613,982 alleles (0.000062%); highest among the groups gnomAD compares: African/African-American, 0.0013%; no homozygotes.

Submission:

All of Us Research Program, National Institutes of Health
Classification: Uncertain significance for Malignant hyperthermia, susceptibility to, 1. Last evaluated: 2023-04-10. Review status: criteria provided, single submitter. Criteria: ACMG Guidelines, 2015. Collection method: clinical testing. Allele origin: germline. Inheritance: Autosomal dominant inheritance. Observed: 1 variant allele, 1 heterozygote.
Comment: This pathogenicity assessment is for autosomal dominant malignant hyperthermia susceptibility phenotype. This canonical splice site variant is predicted to result in an absent RYR1 protein product. Loss of RYR1 function due to haploinsufficiency is associated with congenital myopathy, but it is not an established disease mechanism for autosomal dominant malignant hyperthermia susceptibility. Therefore, this variant is classified as a Variant of Uncertain Significance for malignant hyperthermia susceptibility.

This study involves interpretation of variants in research participants for the purpose of population health screening. Participant phenotype was not available at the time of variant classification. Additional details can be found in publication PMID: 35346344, PMCID: PMC8962531